The following is an entry in ClinVar:

NM_001077525.3(MTMR14):c.39_50del (p.Gly14_Ala17del)

Gene: MTMR14 (myotubularin related protein 14; plus strand). Cytogenetic location: 3p25.3.
Variant type: Deletion.
Coding change: c.39_50del on transcript NM_001077525.3 (MANE Select); coding-DNA positions 39 to 50, 12 bases deleted (GGGGTCCTCGGC).
Protein change: p.Gly14_Ala17del.
Molecular consequence: inframe deletion. On other transcripts: 5 prime UTR variant (23), non-coding transcript variant (9).
Genome position (GRCh38, 1-based): chr3:9,649,622-9,649,633, GGGGTCCTCGGC deleted; deleting any 12 consecutive bases within chr3:9,649,615-9,649,633 gives the same sequence; the c. name uses the placement nearest the transcript's 3' end. VCF-style (leftmost placement, unchanged base first): chr3-9649614-GCCTCGGCGGGGT-G. GRCh37 (hg19) VCF-style: chr3-9691298-GCCTCGGCGGGGT-G.
Other names: c.39_50del, p.Gly14_Ala17del (NM_001077526.3, NM_001400519.1, NM_001400520.1 and 9 more transcripts); c.-95_-84del (NM_001400518.1, NM_001400521.1, NM_001400525.1 and 4 more transcripts); c.-467_-456del (NM_001400533.1, NM_001400539.1, NM_001400545.1); c.-528_-517del (NM_001400534.1, NM_001400538.1, NM_001400541.1 and 2 more transcripts); c.-318_-307del (NM_001400535.1); c.-495_-484del (NM_001400540.1); c.-730_-719del (NM_001400542.1); c.-289_-278del (NM_001400543.1); and 4 more.
Identifiers: ClinVar variation 2967744 (VCV002967744.3), dbSNP rs767930674, ClinGen allele CA2240123.

ClinVar aggregate classification (germline): Uncertain significance (1 of 4 stars; one submission).

Submission:

Labcorp Genetics (formerly Invitae), Labcorp
Classification: Uncertain significance. Last evaluated: 2023-09-03. Review status: criteria provided, single submitter. Criteria: Invitae Variant Classification Sherloc (09022015). Collection method: clinical testing. Allele origin: germline.
Comment: This variant, c.39_50del, results in the deletion of 4 amino acid(s) of the MTMR14 protein (p.Gly14_Ala17del), but otherwise preserves the integrity of the reading frame. This variant is present in population databases (rs767930674, gnomAD 0.004%). This variant has not been reported in the literature in individuals affected with MTMR14-related conditions. Experimental studies and prediction algorithms are not available or were not evaluated, and the functional significance of this variant is currently unknown. In summary, the available evidence is currently insufficient to determine the role of this variant in disease. Therefore, it has been classified as a Variant of Uncertain Significance.